The following is an entry in ClinVar:

NM_020937.4(FANCM):c.3443G>A (p.Ser1148Asn)

Gene: FANCM (FA complementation group M; plus strand). Cytogenetic location: 14q21.2.
Variant type: single nucleotide variant.
Coding change: c.3443G>A on transcript NM_020937.4 (MANE Select); coding-DNA position 3443, G replaced by A.
Protein change: p.Ser1148Asn; replaces serine 1148 with asparagine.
Molecular consequence: missense variant.
Genome position (GRCh38, 1-based): chr14:45,176,197, G>A. VCF-style: chr14-45176197-G-A. GRCh37 (hg19) VCF-style: chr14-45645400-G-A.
Other names: c.3365G>A, p.Ser1122Asn (NM_001308133.2); short protein forms S1122N, S1148N.
Identifiers: ClinVar variation 3848549 (VCV003848549.1).

ClinVar aggregate classification (germline): Uncertain significance (1 of 4 stars; one submission).

Conditions:
Inborn genetic diseases. Identifiers: MedGen C0950123, MeSH D030342.

gnomAD v4.1: 3 of 1,614,102 alleles (0.00019%); highest among the groups gnomAD compares: Non-Finnish European, 0.00025%; no homozygotes.

Submission:

Ambry Genetics
Classification: Uncertain significance for Inborn genetic diseases. Last evaluated: 2024-12-27. Review status: criteria provided, single submitter. Criteria: Ambry Variant Classification Scheme 2023. Collection method: clinical testing. Allele origin: germline.
Comment: The p.S1148N variant (also known as c.3443G>A), located in coding exon 14 of the FANCM gene, results from a G to A substitution at nucleotide position 3443. The serine at codon 1148 is replaced by asparagine, an amino acid with highly similar properties. This amino acid position is conserved. In addition, this alteration is predicted to be tolerated by in silico analysis. Based on the available evidence, the clinical significance of this variant remains unclear.